The following is an entry in ClinVar:

NM_000049.4(ASPA):c.301G>T (p.Gly101Cys)

Genes: ASPA (aspartoacylase; plus strand), SPATA22 (spermatogenesis associated 22; minus strand). Cytogenetic location: 17p13.2.
Variant type: single nucleotide variant.
Coding change: c.301G>T on transcript NM_000049.4 (MANE Select); coding-DNA position 301, G replaced by T.
Protein change: p.Gly101Cys; replaces glycine 101 with cysteine.
Molecular consequence: missense variant. On other transcripts: intron variant (2).
Genome position (GRCh38, 1-based): chr17:3,481,667, G>T. VCF-style: chr17-3481667-G-T. GRCh37 (hg19) VCF-style: chr17-3384961-G-T.
Other names: c.301G>T, p.Gly101Cys (NM_001128085.1); c.-73-12269C>A (NM_001321336.2, NM_001321337.2); short protein forms G101C.
Identifiers: ClinVar variation 1508307 (VCV001508307.7), dbSNP rs752153847, ClinGen allele CA8288895.

ClinVar aggregate classification (germline): Uncertain significance. Review status: criteria provided, multiple submitters, no conflicts (2 of 4 stars). 2 submissions from 2 submitters: Uncertain significance (2). Last evaluated 2025-01-04.

Conditions:
Spongy degeneration of central nervous system. Also called: ACY2 DEFICIENCY; AMINOACYLASE 2 DEFICIENCY; ASP DEFICIENCY; ASPA DEFICIENCY; ASPARTOACYLASE DEFICIENCY; CANAVAN-VAN BOGAERT-BERTRAND DISEASE. Identifiers: Orphanet 141, MedGen C0206307, MONDO:0010079, OMIM 271900.
Inborn genetic diseases. Identifiers: MedGen C0950123, MeSH D030342.

Allele frequency attached by ClinVar (database versions not stated): gnomAD exomes below 0.00001 and 0.00001; gnomAD 0.00005 and 0.00006; TOPMed 0.00014; ExAC 0.00001.
gnomAD v4.1: 15 of 1,613,636 alleles (0.00093%); highest among the groups gnomAD compares: Admixed American, 0.018%; no homozygotes.

Submissions (2):

Ambry Genetics
Classification: Uncertain significance for Inborn genetic diseases. Last evaluated: 2025-01-04. Review status: criteria provided, single submitter. Criteria: Ambry Variant Classification Scheme 2023. Collection method: clinical testing. Allele origin: germline.
Comment: The p.G101C variant (also known as c.301G>T), located in coding exon 2 of the ASPA gene, results from a G to T substitution at nucleotide position 301. The glycine at codon 101 is replaced by cysteine, an amino acid with highly dissimilar properties. This amino acid position is conserved. In addition, this alteration is predicted to be deleterious by in silico analysis. Based on the available evidence, the clinical significance of this variant remains unclear.

Labcorp Genetics (formerly Invitae), Labcorp
Classification: Uncertain significance for Spongy degeneration of central nervous system. Last evaluated: 2022-08-09. Review status: criteria provided, single submitter. Criteria: Invitae Variant Classification Sherloc (09022015). Collection method: clinical testing. Allele origin: germline.
Comment: This sequence change replaces glycine, which is neutral and non-polar, with cysteine, which is neutral and slightly polar, at codon 101 of the ASPA protein (p.Gly101Cys). This variant is present in population databases (rs752153847, gnomAD no frequency). This variant has not been reported in the literature in individuals affected with ASPA-related conditions. ClinVar contains an entry for this variant (Variation ID: 1508307). Advanced modeling of protein sequence and biophysical properties (such as structural, functional, and spatial information, amino acid conservation, physicochemical variation, residue mobility, and thermodynamic stability) performed at Invitae indicates that this missense variant is expected to disrupt ASPA protein function. In summary, the available evidence is currently insufficient to determine the role of this variant in disease. Therefore, it has been classified as a Variant of Uncertain Significance.